The following is an entry in ClinVar:

NM_001556.3(IKBKB):c.106-3T>C

Gene: IKBKB (inhibitor of nuclear factor kappa B kinase subunit beta; plus strand). Cytogenetic location: 8p11.21.
Variant type: single nucleotide variant.
Coding change: c.106-3T>C on transcript NM_001556.3 (MANE Select); 3 bases into the intron before coding-DNA position 106, T replaced by C.
Molecular consequence: intron variant.
Genome position (GRCh38, 1-based): chr8:42,288,631, T>C. VCF-style: chr8-42288631-T-C. GRCh37 (hg19) VCF-style: chr8-42146149-T-C.
Other names: c.24-1525T>C (NM_001242778.2); c.-87-3T>C (NM_001190720.3).
Identifiers: ClinVar variation 959835 (VCV000959835.6), dbSNP rs374850898, ClinGen allele CA4731579.
Genomic context (GRCh38, chr8:42,288,631, plus strand): 5'-GCAGACAGGGTGGGATTTGGCCTGCAGCTCGCTCTGCTGGTCCCCACTGTGCTGTTTCTG[T>C]AGGAAACAGGTGAGCAGATTGCCATCAAGCAGTGCCGGCAGGAGCTCAGCCCCCGGAACC-3'

ClinVar aggregate classification (germline): Uncertain significance (1 of 4 stars; one submission).

Conditions:
Severe combined immunodeficiency due to IKK2 deficiency. Also called: IMMUNODEFICIENCY 15B; Immunodeficiency 15. Identifiers: Orphanet 397787, MedGen C4747743, MONDO:0014267, OMIM 615592.

Allele frequency attached by ClinVar (database versions not stated): gnomAD exomes below 0.00001 and 0.00001; ExAC 0.00001; gnomAD 0.00001; TOPMed 0.00001; ESP Exome Variant Server 0.00008.
gnomAD v4.1: 6 of 1,606,616 alleles (0.00037%); highest among the groups gnomAD compares: South Asian, 0.0011%; no homozygotes.

Submission:

Labcorp Genetics (formerly Invitae), Labcorp
Classification: Uncertain significance for Severe combined immunodeficiency due to IKK2 deficiency. Last evaluated: 2025-10-21. Review status: criteria provided, single submitter. Criteria: Invitae Variant Classification Sherloc (09022015). Collection method: clinical testing. Allele origin: germline.
Comment: This sequence change falls in intron 2 of the IKBKB gene. It does not directly change the encoded amino acid sequence of the IKBKB protein. It affects a nucleotide within the consensus splice site. This variant is present in population databases (rs374850898, gnomAD 0.002%). This variant has not been reported in the literature in individuals affected with IKBKB-related conditions. ClinVar contains an entry for this variant (Variation ID: 959835). Variants that disrupt the consensus splice site are a relatively common cause of aberrant splicing (PMID: 17576681, 9536098). Algorithms developed to predict the effect of sequence changes on RNA splicing suggest that this variant is not likely to affect RNA splicing. In summary, the available evidence is currently insufficient to determine the role of this variant in disease. Therefore, it has been classified as a Variant of Uncertain Significance.

Literature cited by the submitters: PubMed 17576681; PubMed 9536098.